The following is an entry in ClinVar:

NM_000245.4(MET):c.716C>T (p.Pro239Leu)

Gene: MET (MET proto-oncogene, receptor tyrosine kinase; plus strand). Cytogenetic location: 7q31.2.
Variant type: single nucleotide variant.
Coding change: c.716C>T on transcript NM_000245.4 (MANE Select); coding-DNA position 716, C replaced by T.
Protein change: p.Pro239Leu; replaces proline 239 with leucine.
Molecular consequence: missense variant. On other transcripts: intron variant (1).
Genome position (GRCh38, 1-based): chr7:116,699,800, C>T. VCF-style: chr7-116699800-C-T. GRCh37 (hg19) VCF-style: chr7-116339854-C-T.
Other names: c.716C>T, p.Pro239Leu (NM_001127500.3, NM_001324401.3); c.-91+27223C>T (NM_001324402.2); c.716C>T (NM_001127500.2); short protein forms P239L.
Identifiers: ClinVar variation 826881 (VCV000826881.15), dbSNP rs45551737, ClinGen allele CA368969691.

ClinVar aggregate classification (germline): Conflicting classifications of pathogenicity. Review status: criteria provided, conflicting classifications (1 of 4 stars). 5 submissions from 5 submitters: Uncertain significance (4); Likely benign (1). Last evaluated 2025-12-22.

Conditions:
Hereditary cancer-predisposing syndrome. Also called: Hereditary Cancer Syndrome; Tumor predisposition; Neoplastic Syndromes, Hereditary; Hereditary neoplastic syndrome. Identifiers: Orphanet 140162, MedGen C0027672, MeSH D009386, MONDO:0015356.
Autosomal recessive nonsyndromic hearing loss 97. Also called: Deafness, autosomal recessive 97. Identifiers: Orphanet 90636, MedGen C4084709, MONDO:0014739, OMIM 616705.
Renal cell carcinoma. Identifiers: Orphanet 217071, MedGen C0007134, MeSH D002292, MONDO:0005086, HP:0005584.

Allele frequency attached by ClinVar (database versions not stated): gnomAD 0.00001; gnomAD exomes 0.00001; TOPMed 0.00001.
gnomAD v4.1: 10 of 1,613,938 alleles (0.00062%); highest among the groups gnomAD compares: Admixed American, 0.0017%; no homozygotes.

Submissions (5):

Ambry Genetics
Classification: Likely benign for Hereditary cancer-predisposing syndrome. Last evaluated: 2025-12-22. Review status: criteria provided, single submitter. Criteria: Ambry Variant Classification Scheme 2023. Collection method: clinical testing. Allele origin: germline.

Labcorp Genetics (formerly Invitae), Labcorp
Classification: Uncertain significance for Renal cell carcinoma. Last evaluated: 2025-12-22. Review status: criteria provided, single submitter. Criteria: Invitae Variant Classification Sherloc (09022015). Collection method: clinical testing. Allele origin: germline.
Comment: This sequence change replaces proline, which is neutral and non-polar, with leucine, which is neutral and non-polar, at codon 239 of the MET protein (p.Pro239Leu). This variant is not present in population databases (gnomAD no frequency). This variant has not been reported in the literature in individuals affected with MET-related conditions. ClinVar contains an entry for this variant (Variation ID: 826881). Invitae Evidence Modeling of protein sequence and biophysical properties (such as structural, functional, and spatial information, amino acid conservation, physicochemical variation, residue mobility, and thermodynamic stability) indicates that this missense variant is expected to disrupt MET protein function with a positive predictive value of 80%. In summary, the available evidence is currently insufficient to determine the role of this variant in disease. Therefore, it has been classified as a Variant of Uncertain Significance.

Baylor Genetics
Classification: Uncertain significance for Autosomal recessive nonsyndromic hearing loss 97. Last evaluated: 2024-02-19. Review status: criteria provided, single submitter. Criteria: ACMG Guidelines, 2015. Collection method: clinical testing. Allele origin: unknown.

Quest Diagnostics Nichols Institute San Juan Capistrano
Classification: Uncertain significance. Last evaluated: 2023-11-06. Review status: criteria provided, single submitter. Criteria: Quest Diagnostics criteria. Collection method: clinical testing. Allele origin: unknown.

GeneDx
Classification: Uncertain significance. Last evaluated: 2022-09-14. Review status: criteria provided, single submitter. Criteria: GeneDx Variant Classification Process June 2021. Collection method: clinical testing. Allele origin: germline. Affected: yes.
Comment: Not observed at significant frequency in large population cohorts (gnomAD); In silico analysis supports that this missense variant has a deleterious effect on protein structure/function; Has not been previously published as pathogenic or benign to our knowledge